The following is an entry in ClinVar:

ClinVar aggregate classification (germline): Uncertain significance (1 of 4 stars; one submission).

Conditions:
GNAS-related disorder. Identifiers: MedGen CN380105.

Submission:

PreventionGenetics, part of Exact Sciences
Classification: Uncertain significance for GNAS-related condition. Last evaluated: 2025-02-11. Review status: criteria provided, single submitter. Criteria: ACMG Guidelines, 2015. Collection method: clinical testing. Allele origin: germline.
Comment: The GNAS c.1260_1286del27 variant is predicted to result in an in-frame deletion (p.Phe425_Ala433del). To our knowledge, this variant has not been reported in the literature. This variant is reported in 0.00095% of alleles in individuals of European (Non-Finnish) descent in gnomAD. At this time, the clinical significance of this variant is uncertain due to the absence of conclusive functional and genetic evidence.

NM_080425.4(GNAS):c.1260_1286del (p.Phe425_Ala433del)

Gene: GNAS (GNAS complex locus; plus strand). Cytogenetic location: 20q13.32.
Variant type: Deletion.
Coding change: c.1260_1286del on transcript NM_080425.4 (MANE Plus Clinical); coding-DNA positions 1260 to 1286, 27 bases deleted (TGACTCCGGGGCATTCGCAGCCGATCC).
Protein change: p.Phe425_Ala433del.
Molecular consequence: inframe deletion. On other transcripts: intron variant (3).
Genome position (GRCh38, 1-based): chr20:58,854,525-58,854,551, TGACTCCGGGGCATTCGCAGCCGATCC deleted; deleting any 27 consecutive bases within chr20:58,854,515-58,854,551 gives the same sequence; the c. name uses the placement nearest the transcript's 3' end. VCF-style (leftmost placement, unchanged base first): chr20-58854514-CCAGCCGATCCTGACTCCGGGGCATTCG-C. GRCh37 (hg19) VCF-style: chr20-57429569-CCAGCCGATCCTGACTCCGGGGCATTCG-C.
Other names: c.1073_1099del, p.Leu358_Ile366del (NM_001077490.3, NM_001309883.1); c.1260_1286del, p.Phe425_Ala433del (NM_001410913.1); c.*42+13639_*42+13665del (NM_016592.5); c.43+13639_43+13665del (NM_001410912.1); c.-39+12650_-39+12676del (NM_001309861.2).
Identifiers: ClinVar variation 4999270 (VCV004999270.1).